The following is an entry in ClinVar:

NM_001308093.3(GATA4):c.617-121G>T

Gene: GATA4 (GATA binding protein 4). Cytogenetic location: 8p23.1.
Variant type: single nucleotide variant.
Coding change: c.617-121G>T on transcript NM_001308093.3 (MANE Select); 121 bases into the intron before coding-DNA position 617, G replaced by T.
Molecular consequence: intron variant.
Genome position (GRCh38, 1-based): chr8:11,748,795, G>T. VCF-style: chr8-11748795-G-T. GRCh37 (hg19) VCF-style: chr8-11606304-G-T.
Other names: c.-5-121G>T (NM_001308094.2); c.617-124G>T (NM_002052.5); c.-2-124G>T (NM_001374274.1, NM_001374273.1).
Identifiers: ClinVar variation 3056266 (VCV003056266.2), dbSNP rs950154755, ClinGen allele CA172112934.

ClinVar aggregate classification (germline): Likely benign (0 of 4 stars; one submission).

Conditions:
GATA4-related disorder. Also called: GATA4-related condition. Identifiers: MedGen CN860321.

Allele frequency attached by ClinVar (database versions not stated): gnomAD 0.00008; TOPMed 0.00010.
gnomAD v4.1: 85 of 1,139,226 alleles (0.0075%); highest among the groups gnomAD compares: Middle Eastern, 0.044%; no homozygotes.

Submission:

PreventionGenetics, part of Exact Sciences
Classification: Likely benign for GATA4-related condition. Last evaluated: 2019-04-30. Review status: no assertion criteria provided. Collection method: clinical testing. Allele origin: germline.
Comment: This variant is classified as likely benign based on ACMG/AMP sequence variant interpretation guidelines (Richards et al. 2015 PMID: 25741868, with internal and published modifications).